The following is an entry in ClinVar:

NM_016343.4(CENPF):c.4678C>T (p.Arg1560Trp)

Gene: CENPF (centromere protein F; plus strand). Cytogenetic location: 1q41.
Variant type: single nucleotide variant.
Coding change: c.4678C>T on transcript NM_016343.4 (MANE Select); coding-DNA position 4678, C replaced by T.
Protein change: p.Arg1560Trp; replaces arginine 1560 with tryptophan.
Molecular consequence: missense variant.
Genome position (GRCh38, 1-based): chr1:214,643,016, C>T. VCF-style: chr1-214643016-C-T. GRCh37 (hg19) VCF-style: chr1-214816359-C-T.
Other names: short protein forms R1560W.
Identifiers: ClinVar variation 2256858 (VCV002256858.3), dbSNP rs752038507, ClinGen allele CA1390642.

ClinVar aggregate classification (germline): Uncertain significance. Review status: criteria provided, multiple submitters, no conflicts (2 of 4 stars). 2 submissions from 2 submitters: Uncertain significance (2). Last evaluated 2026-01-16.

Conditions:
CENPF-related disorder. Also called: CENPF-related condition.
Inborn genetic diseases. Identifiers: MedGen C0950123, MeSH D030342.

Allele frequency attached by ClinVar (database versions not stated): TOPMed 0.00002; ExAC 0.00003; gnomAD 0.00004.
gnomAD v4.1: 90 of 1,608,352 alleles (0.0056%); highest among the groups gnomAD compares: Non-Finnish European, 0.007%; no homozygotes.

Submissions (2):

PreventionGenetics, part of Exact Sciences
Classification: Uncertain significance for CENPF-related condition. Last evaluated: 2026-01-16. Review status: criteria provided, single submitter. Criteria: ACMG Guidelines, 2015. Collection method: clinical testing. Allele origin: germline.
Comment: The CENPF c.4678C>T variant is predicted to result in the amino acid substitution p.Arg1560Trp. To our knowledge, this variant has not been reported in the literature. This variant is reported in 0.0041% of alleles in individuals of African descent in gnomAD. At this time, the clinical significance of this variant is uncertain due to the absence of conclusive functional and genetic evidence.

Ambry Genetics
Classification: Uncertain significance for Inborn genetic diseases. Last evaluated: 2021-10-26. Review status: criteria provided, single submitter. Criteria: Ambry Variant Classification Scheme 2023. Collection method: clinical testing. Allele origin: germline.